The following is an entry in ClinVar:

NM_006080.3(SEMA3A):c.201T>C (p.Ser67=)

Gene: SEMA3A (semaphorin 3A; minus strand). Cytogenetic location: 7q21.11.
Variant type: single nucleotide variant.
Coding change: c.201T>C on transcript NM_006080.3 (MANE Select); coding-DNA position 201, T replaced by C.
Protein change: p.Ser67=; no amino-acid change (serine 67 retained).
Molecular consequence: synonymous variant.
Genome position (GRCh38, 1-based): chr7:84,134,863, A>G on the plus strand (T>C on the coding strand, the complement: SEMA3A is on the minus strand). VCF-style: chr7-84134863-A-G. GRCh37 (hg19) VCF-style: chr7-83764179-A-G.
Identifiers: ClinVar variation 725452 (VCV000725452.18), dbSNP rs144566280, ClinGen allele CA4323086.

ClinVar aggregate classification (germline): Likely benign. Review status: criteria provided, multiple submitters, no conflicts (2 of 4 stars). 3 submissions from 3 submitters: Likely benign (2). 1 of the submissions does not count toward it. Last evaluated 2025-11-19.

Conditions:
SEMA3A-related disorder. Also called: SEMA3A-related condition.

Allele frequency attached by ClinVar (database versions not stated): gnomAD exomes 0.00033 and 0.00051; TOPMed 0.00037; gnomAD 0.00041 and 0.00046; ExAC 0.00045; ESP Exome Variant Server 0.00054.
gnomAD v4.1: 804 of 1,613,666 alleles (0.05%); highest among the groups gnomAD compares: Non-Finnish European, 0.063%; 1 homozygote.

Submissions (3):

Labcorp Genetics (formerly Invitae), Labcorp
Classification: Likely benign. Last evaluated: 2025-11-19. Review status: criteria provided, single submitter. Criteria: Invitae Variant Classification Sherloc (09022015). Collection method: clinical testing. Allele origin: germline.

CeGaT Center for Human Genetics Tuebingen
Classification: Likely benign. Last evaluated: 2025-07-01. Review status: criteria provided, single submitter. Criteria: CeGaT Center For Human Genetics Tuebingen Variant Classification Criteria Version 2. Collection method: clinical testing. Allele origin: germline. Affected: yes. Observed: 1 variant allele.
Comment: SEMA3A: BP4, BP7

PreventionGenetics, part of Exact Sciences
Classification: Likely benign for SEMA3A-related condition. Last evaluated: 2019-09-10. Review status: no assertion criteria provided. Collection method: clinical testing. Allele origin: germline. Not counted in ClinVar's aggregate classification.
Comment: This variant is classified as likely benign based on ACMG/AMP sequence variant interpretation guidelines (Richards et al. 2015 PMID: 25741868, with internal and published modifications).